The following is an entry in ClinVar:

NM_021975.4(RELA):c.1174G>A (p.Ala392Thr)

Gene: RELA (RELA proto-oncogene, NF-kB subunit; minus strand). Cytogenetic location: 11q13.1.
Variant type: single nucleotide variant.
Coding change: c.1174G>A on transcript NM_021975.4 (MANE Select); coding-DNA position 1174, G replaced by A.
Protein change: p.Ala392Thr; replaces alanine 392 with threonine.
Molecular consequence: missense variant. On other transcripts: intron variant (1).
Genome position (GRCh38, 1-based): chr11:65,654,860, C>T on the plus strand (G>A on the coding strand, the complement: RELA is on the minus strand). VCF-style: chr11-65654860-C-T. GRCh37 (hg19) VCF-style: chr11-65422331-C-T.
Other names: c.1165G>A, p.Ala389Thr (NM_001145138.2); c.1174G>A, p.Ala392Thr (NM_001243985.2); c.1207G>A, p.Ala403Thr (NM_001404657.1); c.1147G>A, p.Ala383Thr (NM_001404658.1); c.961G>A, p.Ala321Thr (NM_001404659.1); c.856G>A, p.Ala286Thr (NM_001404660.1); c.793G>A, p.Ala265Thr (NM_001404661.1); c.1081G>A, p.Ala361Thr (NM_001404662.1, NM_001404663.1); and 1 more; short protein forms A383T, A265T, A286T, A361T, A392T, A389T, A403T, A321T.
Identifiers: ClinVar variation 3677658 (VCV003677658.2).

ClinVar aggregate classification (germline): Uncertain significance (1 of 4 stars; one submission).

Submission:

Labcorp Genetics (formerly Invitae), Labcorp
Classification: Uncertain significance. Last evaluated: 2024-10-06. Review status: criteria provided, single submitter. Criteria: Invitae Variant Classification Sherloc (09022015). Collection method: clinical testing. Allele origin: germline.
Comment: This sequence change replaces alanine, which is neutral and non-polar, with threonine, which is neutral and polar, at codon 392 of the RELA protein (p.Ala392Thr). This variant is present in population databases (no rsID available, gnomAD 0.004%). This variant has not been reported in the literature in individuals affected with RELA-related conditions. An algorithm developed to predict the effect of missense changes on protein structure and function (PolyPhen-2) suggests that this variant is likely to be tolerated. In summary, the available evidence is currently insufficient to determine the role of this variant in disease. Therefore, it has been classified as a Variant of Uncertain Significance.